The following is an entry in ClinVar:

NM_133259.4(LRPPRC):c.3431G>A (p.Arg1144His)

Gene: LRPPRC (leucine rich pentatricopeptide repeat containing; minus strand). Cytogenetic location: 2p21.
Variant type: single nucleotide variant.
Coding change: c.3431G>A on transcript NM_133259.4 (MANE Select); coding-DNA position 3431, G replaced by A.
Protein change: p.Arg1144His; replaces arginine 1144 with histidine.
Molecular consequence: missense variant.
Genome position (GRCh38, 1-based): chr2:43,901,458, C>T on the plus strand (G>A on the coding strand, the complement: LRPPRC is on the minus strand). VCF-style: chr2-43901458-C-T. GRCh37 (hg19) VCF-style: chr2-44128597-C-T.
Other names: c.3431G>A (NM_133259.3); short protein forms R1144H.
Identifiers: ClinVar variation 2198276 (VCV002198276.3), dbSNP rs372374729, ClinGen allele CA1638058.
Genomic context (GRCh38, chr2:43,901,458, plus strand): 5'-ATCTTCTGAACTACTTCTATGTTTTCAACATCACCCTTCATGGCCAATGCCTGGATGACA[C>T]GGGTCACTGCTAACCTAGAAGGGGTCTGCTGCTGATCCAATACTGTTTTCAGTGTTGTCA-3'
Protein context (NP_573566.2, residues 1134-1154): QQTPSRLAVT[Arg1144His]VIQALAMKGD

ClinVar aggregate classification (germline): Uncertain significance. Review status: criteria provided, multiple submitters, no conflicts (2 of 4 stars). 3 submissions from 3 submitters: Uncertain significance (3). Last evaluated 2024-03-11.

Conditions:
Inborn genetic diseases. Identifiers: MedGen C0950123, MeSH D030342.

Allele frequency attached by ClinVar (database versions not stated): ExAC 0.00002; gnomAD exomes 0.00004; ESP Exome Variant Server 0.00008.
gnomAD v4.1: 72 of 1,613,802 alleles (0.0045%); highest among the groups gnomAD compares: Middle Eastern, 0.066%; no homozygotes.

Submissions (3):

Blueprint Genetics
Classification: Uncertain significance. Last evaluated: 2024-03-11. Review status: criteria provided, single submitter. Criteria: ACMG Guidelines, 2015. Collection method: clinical testing. Allele origin: germline.

Labcorp Genetics (formerly Invitae), Labcorp
Classification: Uncertain significance. Last evaluated: 2022-02-23. Review status: criteria provided, single submitter. Criteria: Invitae Variant Classification Sherloc (09022015). Collection method: clinical testing. Allele origin: germline.
Comment: This sequence change replaces arginine, which is basic and polar, with histidine, which is basic and polar, at codon 1144 of the LRPPRC protein (p.Arg1144His). This variant is present in population databases (rs372374729, gnomAD 0.008%). This variant has not been reported in the literature in individuals affected with LRPPRC-related conditions. Algorithms developed to predict the effect of missense changes on protein structure and function are either unavailable or do not agree on the potential impact of this missense change (SIFT: "Tolerated"; PolyPhen-2: "Possibly Damaging"; Align-GVGD: "Class C0"). In summary, the available evidence is currently insufficient to determine the role of this variant in disease. Therefore, it has been classified as a Variant of Uncertain Significance.

Ambry Genetics
Classification: Uncertain significance for Inborn genetic diseases. Last evaluated: 2021-07-15. Review status: criteria provided, single submitter. Criteria: Ambry Variant Classification Scheme 2023. Collection method: clinical testing. Allele origin: germline.